The following is an entry in ClinVar:

ClinVar aggregate classification (germline): Uncertain significance. Review status: criteria provided, multiple submitters, no conflicts (2 of 4 stars). 2 submissions from 2 submitters: Uncertain significance (2). Last evaluated 2023-12-30.

Allele frequency attached by ClinVar (database versions not stated): gnomAD exomes 0.00002; TOPMed 0.00002; gnomAD 0.00003; ExAC 0.00005; ESP Exome Variant Server 0.00008.
gnomAD v4.1: 30 of 1,614,060 alleles (0.0019%); highest among the groups gnomAD compares: Non-Finnish European, 0.00068%; no homozygotes.

Submissions (2):

Labcorp Genetics (formerly Invitae), Labcorp
Classification: Uncertain significance. Last evaluated: 2023-12-30. Review status: criteria provided, single submitter. Criteria: Invitae Variant Classification Sherloc (09022015). Collection method: clinical testing. Allele origin: germline.
Comment: This sequence change replaces leucine, which is neutral and non-polar, with valine, which is neutral and non-polar, at codon 344 of the NIN protein (p.Leu344Val). This variant is present in population databases (rs367851709, gnomAD 0.1%), and has an allele count higher than expected for a pathogenic variant. This variant has not been reported in the literature in individuals affected with NIN-related conditions. ClinVar contains an entry for this variant (Variation ID: 2186179). An algorithm developed to predict the effect of missense changes on protein structure and function (PolyPhen-2) suggests that this variant is likely to be tolerated. In summary, the available evidence is currently insufficient to determine the role of this variant in disease. Therefore, it has been classified as a Variant of Uncertain Significance.

Ambry Genetics
Classification: Uncertain significance. Last evaluated: 2022-05-25. Review status: criteria provided, single submitter. Criteria: Ambry Variant Classification Scheme 2023. Collection method: clinical testing. Allele origin: germline.

NM_020921.4(NIN):c.1030C>G (p.Leu344Val)

Gene: NIN (ninein; minus strand). Cytogenetic location: 14q22.1.
Variant type: single nucleotide variant.
Coding change: c.1030C>G on transcript NM_020921.4 (MANE Select); coding-DNA position 1030, C replaced by G.
Protein change: p.Leu344Val; replaces leucine 344 with valine.
Molecular consequence: missense variant.
Genome position (GRCh38, 1-based): chr14:50,771,420, G>C on the plus strand (C>G on the coding strand, the complement: NIN is on the minus strand). VCF-style: chr14-50771420-G-C. GRCh37 (hg19) VCF-style: chr14-51238138-G-C.
Other names: c.1030C>G, p.Leu344Val (NM_016350.5, NM_182944.3, NM_182946.2); c.1030C>G (NM_020921.3); short protein forms L344V.
Identifiers: ClinVar variation 2186179 (VCV002186179.5), dbSNP rs367851709, ClinGen allele CA7182303.